The following is an entry in ClinVar:

ClinVar aggregate classification (germline): Pathogenic. Review status: criteria provided, multiple submitters, no conflicts (2 of 4 stars). 4 submissions from 4 submitters: Pathogenic (4). Last evaluated 2023-12-10.

Conditions:
FZD4-related disorder. Also called: FZD4-related condition.
Familial exudative vitreoretinopathy. Identifiers: Orphanet 891, MedGen C0339539, MeSH D000080345, MONDO:0019516.
Exudative vitreoretinopathy 1 (EVR1). Also called: CRISWICK-SCHEPENS SYNDROME; FEVR, AUTOSOMAL DOMINANT; Familial exudative vitreoretinopathy, autosomal dominant. Identifiers: Orphanet 891, Orphanet 90050, MedGen C1851402, MONDO:0007589, OMIM 133780.

Submissions (4):

GeneDx
Classification: Pathogenic. Last evaluated: 2023-12-10. Review status: criteria provided, single submitter. Criteria: GeneDx Variant Classification Process June 2021. Collection method: clinical testing. Allele origin: germline. Affected: yes.
Comment: Frameshift variant predicted to result in protein truncation or nonsense mediated decay in a gene for which loss of function is a known mechanism of disease; Not observed at significant frequency in large population cohorts (gnomAD); Also known as c.39-49delCCCGGGGGC and P14fsX5; This variant is associated with the following publications: (PMID: 32884843, 34860240, 27668459, 30452590, 35876299, 20938005)

Labcorp Genetics (formerly Invitae), Labcorp
Classification: Pathogenic. Last evaluated: 2022-11-22. Review status: criteria provided, single submitter. Criteria: Invitae Variant Classification Sherloc (09022015). Collection method: clinical testing. Allele origin: germline.
Comment: For these reasons, this variant has been classified as Pathogenic. ClinVar contains an entry for this variant (Variation ID: 441133). This variant is also known as p.P14fs. This premature translational stop signal has been observed in individual(s) with familial exudative vitreoretinopathy (PMID: 27668459, 30452590). This variant is present in population databases (no rsID available, gnomAD 0.001%). This sequence change creates a premature translational stop signal (p.Pro14Serfs*44) in the FZD4 gene. It is expected to result in an absent or disrupted protein product. Loss-of-function variants in FZD4 are known to be pathogenic (PMID: 25711638, 26244290).

Blueprint Genetics
Classification: Pathogenic for FZD4-related disorders. Last evaluated: 2019-10-23. Review status: criteria provided, single submitter. Criteria: ACMG Guidelines, 2015. Collection method: clinical testing. Allele origin: germline. Affected: yes. Observed: 2 variant alleles.

Juno Genomics, Hangzhou Juno Genomics, Inc
Classification: Pathogenic for Exudative vitreoretinopathy 1. Review status: criteria provided, single submitter. Criteria: ACMG Guidelines, 2015. Collection method: clinical testing. Allele origin: germline.
Comment: Null variant in a gene where loss of function (LOF) is a known mechanism of disease.;Absent from controls (or at extremely low frequency if recessive) in Genome Aggregation Database.;The prevalence of the variant in affected individuals is significantly increased compared to the prevalence in controls.

Literature cited by the submitters: PubMed 27668459 (cited by Labcorp Genetics (formerly Invitae), Labcorp); PubMed 30452590 (cited by Labcorp Genetics (formerly Invitae), Labcorp); PubMed 25711638 (cited by Labcorp Genetics (formerly Invitae), Labcorp); PubMed 26244290 (cited by Labcorp Genetics (formerly Invitae), Labcorp).

NM_012193.4(FZD4):c.40_49del (p.Pro14fs)

Gene: FZD4 (frizzled class receptor 4; minus strand). Cytogenetic location: 11q14.2.
Variant type: Microsatellite.
Coding change: c.40_49del on transcript NM_012193.4 (MANE Select); coding-DNA positions 40 to 49, 10 bases deleted (CCCGGGGGCG; older notation c.40_49delCCCGGGGGCG).
Protein change: p.Pro14fs; shifts the reading frame from proline 14.
Molecular consequence: frameshift variant.
Genome position (GRCh38, 1-based): chr11:86,955,037-86,955,046, CGCCCCCGGG deleted on the plus strand (CCCGGGGGCG on the coding strand, the reverse complement: FZD4 is on the minus strand); deleting any 10 consecutive bases within chr11:86,955,037-86,955,056 gives the same sequence; the c. name uses the placement nearest the transcript's 3' end. VCF-style (leftmost placement, unchanged base first): chr11-86955036-ACGCCCCCGGG-A. GRCh37 (hg19) VCF-style: chr11-86666078-ACGCCCCCGGG-A.
Other names: c.40_49del10 (NM_012193.3); c.40_49del (NM_012193.3); short protein forms P14fs.
Identifiers: ClinVar variation 441133 (VCV000441133.12), dbSNP rs1555086007, ClinGen allele CA601191121.